The following is an entry in ClinVar:

ClinVar aggregate classification (germline): Conflicting classifications of pathogenicity. Review status: criteria provided, conflicting classifications (1 of 4 stars). 12 submissions from 11 submitters: Uncertain significance (2); Benign (1); Likely benign (7). 2 of the submissions do not count toward it. Last evaluated 2026-08-01.

Conditions:
ALS2-related disorder. Also called: ALS2-Related Spectrum Disorders; ALS2-related condition; ALS2-related disorders. Identifiers: MedGen CN169291.
Hereditary spastic paraplegia. Also called: Familial spastic paraparesis. Identifiers: Orphanet 685, MedGen C0037773, MONDO:0019064. Disease mechanism: loss of function.
Infantile-onset ascending hereditary spastic paralysis (IAHSP). Also called: Infantile-Onset Ascending Hereditary Spastic Paralysis (IAHSP); Autosomal Recessive Juvenile Amyotrophic Lateral Sclerosis. Identifiers: Orphanet 293168, MedGen C2931441, MONDO:0011797, OMIM 607225. Disease mechanism: loss of function.
Amyotrophic lateral sclerosis type 2, juvenile. Also called: ALS, JUVENILE; Amyotrophic lateral sclerosis type 2. Identifiers: Orphanet 300605, MedGen C1859807, MONDO:0008780, OMIM 205100.

Allele frequency attached by ClinVar (database versions not stated): 1000 Genomes Project 0.00060; 1000 Genomes Project 30x 0.00078; ExAC 0.00167; gnomAD exomes 0.00179 and 0.00262; gnomAD 0.00202 and 0.00208; TOPMed 0.00215; ESP Exome Variant Server 0.00220.
gnomAD v4.1: 4,094 of 1,614,118 alleles (0.25%); highest among the groups gnomAD compares: Admixed American, 0.33%; 16 homozygotes.

Submissions (12):

CeGaT Center for Human Genetics Tuebingen
Classification: Likely benign. Last evaluated: 2026-08-01. Review status: criteria provided, single submitter. Criteria: CeGaT Center For Human Genetics Tuebingen Variant Classification Criteria Version 2. Collection method: clinical testing. Allele origin: germline. Affected: yes. Observed: 14 variant alleles.
Comment: ALS2: BP4, BS2

Labcorp Genetics (formerly Invitae), Labcorp
Classification: Benign for Infantile-onset ascending hereditary spastic paralysis. Last evaluated: 2026-02-01. Review status: criteria provided, single submitter. Criteria: Invitae Variant Classification Sherloc (09022015). Collection method: clinical testing. Allele origin: germline.

Women's Health and Genetics/Laboratory Corporation of America, LabCorp
Classification: Likely benign. Last evaluated: 2026-01-19. Review status: criteria provided, single submitter. Criteria: LabCorp Variant Classification Summary - May 2015. Collection method: clinical testing. Allele origin: germline.

Mayo Clinic Laboratories, Mayo Clinic
Classification: Likely benign. Last evaluated: 2025-03-26. Review status: criteria provided, single submitter. Criteria: ACMG Guidelines, 2015. Collection method: clinical testing. Allele origin: germline. Observed: 1 variant allele.
Comment: BS1, BP4, BP7

Blueprint Genetics
Classification: Likely benign. Last evaluated: 2024-11-19. Review status: criteria provided, single submitter. Criteria: ACMG Guidelines, 2015. Collection method: clinical testing. Allele origin: germline.

GeneDx
Classification: Likely benign. Last evaluated: 2020-07-01. Review status: criteria provided, single submitter. Criteria: GeneDx Variant Classification Process June 2021. Collection method: clinical testing. Allele origin: germline. Affected: yes.

Genome Diagnostics Laboratory, The Hospital for Sick Children
Classification: Likely benign for Hereditary spastic paraplegia. Last evaluated: 2020-03-01. Review status: criteria provided, single submitter. Criteria: ACMG Guidelines, 2015. Collection method: clinical testing. Allele origin: germline. Affected: yes.

Illumina Laboratory Services, Illumina
Classification: Uncertain significance for ALS2-Related Disorders. Last evaluated: 2018-01-13. Review status: criteria provided, single submitter. Criteria: ICSL Variant Classification Criteria 13 December 2019. Collection method: clinical testing. Allele origin: germline.

Illumina Laboratory Services, Illumina
Classification: Uncertain significance for Amyotrophic lateral sclerosis type 2. Last evaluated: 2018-01-13. Review status: criteria provided, single submitter. Criteria: ICSL Variant Classification Criteria 13 December 2019. Collection method: clinical testing. Allele origin: germline.

ARUP Laboratories, Molecular Genetics and Genomics, ARUP Laboratories
Classification: Likely benign. Last evaluated: 2017-07-14. Review status: criteria provided, single submitter. Criteria: ARUP Molecular Germline Variant Investigation Process. Collection method: clinical testing. Allele origin: germline.
Comment: The c.2241C>T variant (rs3219160) does not alter the amino acid sequence of the ALS2 protein and computational splice site prediction algorithms do not predict a change in the nearest splice site or creation of a cryptic splice site. This variant has not been reported in association with ALS in medical literature or in gene specific variation databases. This variant is listed in the genome Aggregation Database (gnomAD) with an overall population frequency of 0.18 percent (identified on 503 out of 276,712 chromosomes including 2 homozygotes). Based on these observations, the c.2241C>T variant is likely to be benign.

Clinical Genetics DNA and cytogenetics Diagnostics Lab, Erasmus MC, Erasmus Medical Center
Classification: Likely benign. Review status: no assertion criteria provided. Collection method: clinical testing. Allele origin: germline. Affected: yes. Study: VKGL Data-share Consensus. Not counted in ClinVar's aggregate classification.

Genome Diagnostics Laboratory, Amsterdam University Medical Center
Classification: Likely benign. Review status: no assertion criteria provided. Collection method: clinical testing. Allele origin: germline. Affected: yes. Study: VKGL Data-share Consensus. Not counted in ClinVar's aggregate classification.

NM_020919.4(ALS2):c.2241C>T (p.Tyr747=)

Gene: ALS2 (alsin Rho guanine nucleotide exchange factor ALS2; minus strand). Cytogenetic location: 2q33.1.
Variant type: single nucleotide variant.
Coding change: c.2241C>T on transcript NM_020919.4 (MANE Select); coding-DNA position 2241, C replaced by T.
Protein change: p.Tyr747=; no amino-acid change (tyrosine 747 retained).
Molecular consequence: synonymous variant.
Genome position (GRCh38, 1-based): chr2:201,741,784, G>A on the plus strand (C>T on the coding strand, the complement: ALS2 is on the minus strand). VCF-style: chr2-201741784-G-A. GRCh37 (hg19) VCF-style: chr2-202606507-G-A.
Other names: p.Tyr747=.
Identifiers: ClinVar variation 241310 (VCV000241310.57), dbSNP rs3219160, ClinGen allele CA2058242.
Genomic context (GRCh38, chr2:201,741,784, plus strand): 5'-CCTGGCTTCCTTTACCCCATGAAGGAAGCTGCTCAATGAGGCTCCATGCTGACCAATGAG[G>A]TAACACAGCTTGCTGAATCGGCTAGCCACCTCCTGCAACAGCTGGACTGTAGTTGTAGTG-3'
Protein context (NP_065970.2, residues 737-757): EVASRFSKLC[Tyr747=]LIGQHGASLS